The following is an entry in ClinVar:

NM_001371928.1(AHDC1):c.663G>A (p.Ala221=)

Gene: AHDC1 (AT-hook DNA binding motif containing 1; minus strand). Cytogenetic location: 1p36.11.
Variant type: single nucleotide variant.
Coding change: c.663G>A on transcript NM_001371928.1 (MANE Select); coding-DNA position 663, G replaced by A.
Protein change: p.Ala221=; no amino-acid change (alanine 221 retained).
Molecular consequence: synonymous variant.
Genome position (GRCh38, 1-based): chr1:27,551,453, C>T on the plus strand (G>A on the coding strand, the complement: AHDC1 is on the minus strand). VCF-style: chr1-27551453-C-T. GRCh37 (hg19) VCF-style: chr1-27877964-C-T.
Other names: c.663G>A, p.Ala221= (NM_001029882.3).
Identifiers: ClinVar variation 2971243 (VCV002971243.5), dbSNP rs374761177, ClinGen allele CA716105.
Genomic context (GRCh38, chr1:27,551,453, plus strand): 5'-GTCAGCAAGTTCTGAGTAATCAGTGCTGTCTGGCTCAGGCTCTGGGGGCAGACCCGTGGC[C>T]GCAGCCGTGGCTCCGGGACTATGGCCTTGGCCAGGCTGGGGACTGTCCCTAGGCTCAGGC-3'
Protein context (NP_001358857.1, residues 211-231): GQGHSPGATA[Ala221=]ATGLPPEPEP

ClinVar aggregate classification (germline): Likely benign. Review status: criteria provided, single submitter (1 of 4 stars). 2 submissions from 2 submitters: Likely benign (1). 1 of the submissions does not count toward it. Last evaluated 2025-08-21.

Conditions:
AHDC1-related disorder. Also called: AHDC1-related condition.

Allele frequency attached by ClinVar (database versions not stated): ESP Exome Variant Server 0.00008.
gnomAD v4.1: 44 of 1,611,770 alleles (0.0027%); highest among the groups gnomAD compares: Admixed American, 0.012%; no homozygotes.

Submissions (2):

Labcorp Genetics (formerly Invitae), Labcorp
Classification: Likely benign. Last evaluated: 2025-08-21. Review status: criteria provided, single submitter. Criteria: Invitae Variant Classification Sherloc (09022015). Collection method: clinical testing. Allele origin: germline.

PreventionGenetics, part of Exact Sciences
Classification: Likely benign for AHDC1-related condition. Last evaluated: 2023-12-20. Review status: no assertion criteria provided. Collection method: clinical testing. Allele origin: germline. Not counted in ClinVar's aggregate classification.
Comment: This variant is classified as likely benign based on ACMG/AMP sequence variant interpretation guidelines (Richards et al. 2015 PMID: 25741868, with internal and published modifications).